The following is an entry in ClinVar:

NM_001953.5(TYMP):c.216G>A (p.Gly72=)

Genes: TYMP (thymidine phosphorylase; minus strand), LOC130067864 (ATAC-STARR-seq lymphoblastoid active region 19325; plus strand). Cytogenetic location: 22q13.33.
Variant type: single nucleotide variant.
Coding change: c.216G>A on transcript NM_001953.5 (MANE Select); coding-DNA position 216, G replaced by A.
Protein change: p.Gly72=; no amino-acid change (glycine 72 retained).
Molecular consequence: synonymous variant.
Genome position (GRCh38, 1-based): chr22:50,529,337, C>T on the plus strand (G>A on the coding strand, the complement: TYMP is on the minus strand). VCF-style: chr22-50529337-C-T. GRCh37 (hg19) VCF-style: chr22-50967766-C-T.
Other names: c.216G>A, p.Gly72= (NM_001113755.3, NM_001113756.3, NM_001257988.1 and 1 more transcripts); c.216G>A (NM_001953.4).
Identifiers: ClinVar variation 2907973 (VCV002907973.5), dbSNP rs2522547803, ClinGen allele CA515275802.

ClinVar aggregate classification (germline): Likely benign. Review status: criteria provided, single submitter (1 of 4 stars). 2 submissions from 2 submitters: Likely benign (1). 1 of the submissions does not count toward it. Last evaluated 2023-08-24.

Conditions:
TYMP-related disorder. Also called: TYMP-related condition.

Allele frequency attached by ClinVar (database versions not stated): gnomAD exomes below 0.00001.
gnomAD v4.1: 5 of 1,613,180 alleles (0.00031%); highest among the groups gnomAD compares: South Asian, 0.0011%; no homozygotes.

Submissions (2):

Labcorp Genetics (formerly Invitae), Labcorp
Classification: Likely benign. Last evaluated: 2023-08-24. Review status: criteria provided, single submitter. Criteria: Invitae Variant Classification Sherloc (09022015). Collection method: clinical testing. Allele origin: germline.

PreventionGenetics, part of Exact Sciences
Classification: Likely benign for TYMP-related condition. Last evaluated: 2022-04-27. Review status: no assertion criteria provided. Collection method: clinical testing. Allele origin: germline. Not counted in ClinVar's aggregate classification.
Comment: This variant is classified as likely benign based on ACMG/AMP sequence variant interpretation guidelines (Richards et al. 2015 PMID: 25741868, with internal and published modifications).